The following is an entry in ClinVar:

ClinVar aggregate classification (germline): Pathogenic (1 of 4 stars; one submission).

Allele frequency attached by ClinVar (database versions not stated): TOPMed below 0.00001; gnomAD exomes 0.00001.

Submission:

Labcorp Genetics (formerly Invitae), Labcorp
Classification: Pathogenic. Last evaluated: 2024-10-28. Review status: criteria provided, single submitter. Criteria: Invitae Variant Classification Sherloc (09022015). Collection method: clinical testing. Allele origin: germline.
Comment: This sequence change creates a premature translational stop signal (p.Cys726Tyrfs*10) in the ORC1 gene. It is expected to result in an absent or disrupted protein product. Loss-of-function variants in ORC1 are known to be pathogenic (PMID: 21358633). This variant is present in population databases (no rsID available, gnomAD 0.0009%). This variant has not been reported in the literature in individuals affected with ORC1-related conditions. ClinVar contains an entry for this variant (Variation ID: 2090381). For these reasons, this variant has been classified as Pathogenic.

Literature cited by the submitters: PubMed 21358633.

NM_004153.4(ORC1):c.2173_2176dup (p.Cys726fs)

Gene: ORC1 (origin recognition complex subunit 1; minus strand). Cytogenetic location: 1p32.3.
Variant type: Duplication.
Coding change: c.2173_2176dup on transcript NM_004153.4 (MANE Select); coding-DNA positions 2173 to 2176, 4 bases duplicated (ATCT; older notation c.2173_2176dupATCT).
Protein change: p.Cys726fs; shifts the reading frame from cysteine 726.
Molecular consequence: frameshift variant.
Genome position (GRCh38, 1-based): chr1:52,375,557-52,375,560, AGAT duplicated on the plus strand (ATCT on the coding strand, the reverse complement: ORC1 is on the minus strand). VCF-style (leftmost placement, unchanged base first): chr1-52375556-C-CAGAT. GRCh37 (hg19) VCF-style: chr1-52841228-C-CAGAT.
Other names: c.2173_2176dup, p.Cys726fs (NM_001190818.2); c.2158_2161dup, p.Cys721fs (NM_001190819.2); short protein forms C721fs, C726fs.
Identifiers: ClinVar variation 2090381 (VCV002090381.4), dbSNP rs1308076642, ClinGen allele CA522873476.